The following is an entry in ClinVar:

ClinVar aggregate classification (germline): Uncertain significance (1 of 4 stars; one submission).

Conditions:
Arrhythmogenic cardiomyopathy with wooly hair and keratoderma. Also called: PALMOPLANTAR KERATODERMA WITH LEFT VENTRICULAR CARDIOMYOPATHY AND WOOLLY HAIR; Carvajal syndrome; Dilated cardiomyopathy with woolly hair and keratoderma; Arrhythmogenic cardiomyopathy with woolly hair and keratoderma. Identifiers: Orphanet 65282, MedGen C1854063, MONDO:0011581, OMIM 605676.
Arrhythmogenic right ventricular dysplasia 8 (ARVD8). Also called: Arrhythmogenic Right Ventricular Dysplasia/Cardiomyopathy 8; ARRHYTHMOGENIC RIGHT VENTRICULAR DYSPLASIA, FAMILIAL, 8; ARRHYTHMOGENIC RIGHT VENTRICULAR CARDIOMYOPATHY 8. Identifiers: MedGen C1843896, MONDO:0011831, OMIM 607450.

Allele frequency attached by ClinVar (database versions not stated): TOPMed below 0.00001; gnomAD 0.00001.
gnomAD v4.1: 1 of 1,614,034 alleles (0.000062%); highest among the groups gnomAD compares: African/African-American, 0.0013%; no homozygotes.

Submission:

Labcorp Genetics (formerly Invitae), Labcorp
Classification: Uncertain significance for Arrhythmogenic cardiomyopathy with wooly hair and keratoderma; Arrhythmogenic right ventricular dysplasia 8. Last evaluated: 2022-12-16. Review status: criteria provided, single submitter. Criteria: Invitae Variant Classification Sherloc (09022015). Collection method: clinical testing. Allele origin: germline.
Comment: This sequence change replaces arginine, which is basic and polar, with glycine, which is neutral and non-polar, at codon 659 of the DSP protein (p.Arg659Gly). This variant is not present in population databases (gnomAD no frequency). This variant has not been reported in the literature in individuals affected with DSP-related conditions. Algorithms developed to predict the effect of missense changes on protein structure and function are either unavailable or do not agree on the potential impact of this missense change (SIFT: "Deleterious"; PolyPhen-2: "Benign"; Align-GVGD: "Class C0"). In summary, the available evidence is currently insufficient to determine the role of this variant in disease. Therefore, it has been classified as a Variant of Uncertain Significance.

NM_004415.4(DSP):c.1975A>G (p.Arg659Gly)

Gene: DSP (desmoplakin; plus strand). Cytogenetic location: 6p24.3.
Variant type: single nucleotide variant.
Coding change: c.1975A>G on transcript NM_004415.4 (MANE Select); coding-DNA position 1975, A replaced by G.
Protein change: p.Arg659Gly; replaces arginine 659 with glycine.
Molecular consequence: missense variant.
Genome position (GRCh38, 1-based): chr6:7,571,913, A>G. VCF-style: chr6-7571913-A-G. GRCh37 (hg19) VCF-style: chr6-7572146-A-G.
Other names: c.1975A>G, p.Arg659Gly (NM_001008844.3, NM_001319034.2); short protein forms R659G.
Identifiers: ClinVar variation 2939901 (VCV002939901.3), dbSNP rs1365256713, ClinGen allele CA362680259.
Genomic context (GRCh38, chr6:7,571,913, plus strand): 5'-GAAATCACTCATCATGGAACCTGCCAAGATGTCAACCATAATAAAGTAATTGAAACCAAC[A>G]GAGAAAATGACAAGCAAGAAACATGGATGCTGATGGAGCTGCAGAAGATTCGCAGGCAGA-3'
Protein context (NP_004406.2, residues 649-669): VNHNKVIETN[Arg659Gly]ENDKQETWML